The following is an entry in ClinVar:

ClinVar aggregate classification (germline): Uncertain significance (1 of 4 stars; one submission).

Allele frequency attached by ClinVar (database versions not stated): gnomAD exomes 0.00001.

Submission:

Labcorp Genetics (formerly Invitae), Labcorp
Classification: Uncertain significance. Last evaluated: 2021-10-28. Review status: criteria provided, single submitter. Criteria: Invitae Variant Classification Sherloc (09022015). Collection method: clinical testing. Allele origin: germline.
Comment: This sequence change replaces glycine, which is neutral and non-polar, with serine, which is neutral and polar, at codon 347 of the ZNF513 protein (p.Gly347Ser). This variant is not present in population databases (gnomAD no frequency). This variant has not been reported in the literature in individuals affected with ZNF513-related conditions. Algorithms developed to predict the effect of missense changes on protein structure and function are either unavailable or do not agree on the potential impact of this missense change (SIFT: "Tolerated"; PolyPhen-2: "Possibly Damaging"; Align-GVGD: "Class C0"). In summary, the available evidence is currently insufficient to determine the role of this variant in disease. Therefore, it has been classified as a Variant of Uncertain Significance.

NM_144631.6(ZNF513):c.1039G>A (p.Gly347Ser)

Gene: ZNF513 (zinc finger protein 513; minus strand). Cytogenetic location: 2p23.3.
Variant type: single nucleotide variant.
Coding change: c.1039G>A on transcript NM_144631.6 (MANE Select); coding-DNA position 1039, G replaced by A.
Protein change: p.Gly347Ser; replaces glycine 347 with serine.
Molecular consequence: missense variant.
Genome position (GRCh38, 1-based): chr2:27,378,132, C>T on the plus strand (G>A on the coding strand, the complement: ZNF513 is on the minus strand). VCF-style: chr2-27378132-C-T. GRCh37 (hg19) VCF-style: chr2-27600999-C-T.
Other names: c.853G>A, p.Gly285Ser (NM_001201459.2); short protein forms G347S, G285S.
Identifiers: ClinVar variation 1485195 (VCV001485195.6), dbSNP rs1192963879, ClinGen allele CA346216311.